The following is an entry in ClinVar:

ClinVar aggregate classification (germline): Uncertain significance (1 of 4 stars; one submission).

Conditions:
Myofibrillar myopathy 4. Also called: Zaspopathy (type). Identifiers: Orphanet 98912, MedGen C4721886, MONDO:0012277, OMIM 609452.

gnomAD v4.1: 3 of 1,608,674 alleles (0.00019%); highest among the groups gnomAD compares: Non-Finnish European, 0.00025%; no homozygotes.

Submission:

Labcorp Genetics (formerly Invitae), Labcorp
Classification: Uncertain significance for Myofibrillar myopathy 4. Last evaluated: 2025-05-15. Review status: criteria provided, single submitter. Criteria: Invitae Variant Classification Sherloc (09022015). Collection method: clinical testing. Allele origin: germline.
Comment: The LDB3 gene has multiple clinically relevant transcripts. This variant occurs in alternate transcript NM_007078.3, and corresponds to NM_001080116.1:c.321+1572G>C in the primary transcript. This sequence change replaces glutamic acid, which is acidic and polar, with aspartic acid, which is acidic and polar, at codon 205 of the LDB3 protein (p.Glu205Asp). This variant is present in population databases (rs775061423, gnomAD 0.002%). This variant has not been reported in the literature in individuals affected with LDB3-related conditions. Algorithms developed to predict the effect of sequence changes on RNA splicing suggest that this variant is not likely to affect RNA splicing. In summary, the available evidence is currently insufficient to determine the role of this variant in disease. Therefore, it has been classified as a Variant of Uncertain Significance.

NM_007078.3(LDB3):c.615G>C (p.Glu205Asp)

Gene: LDB3 (LIM domain binding 3; plus strand). Cytogenetic location: 10q23.2.
Variant type: single nucleotide variant.
Coding change: c.615G>C on transcript NM_007078.3 (MANE Select); coding-DNA position 615, G replaced by C.
Protein change: p.Glu205Asp; replaces glutamic acid 205 with aspartic acid.
Molecular consequence: missense variant. On other transcripts: intron variant (5).
Genome position (GRCh38, 1-based): chr10:86,681,729, G>C. VCF-style: chr10-86681729-G-C. GRCh37 (hg19) VCF-style: chr10-88441486-G-C.
Other names: c.615G>C, p.Glu205Asp (NM_001080115.2, NM_001171610.2, NM_001171611.2 and 3 more transcripts); c.321+1572G>C (NM_001368068.1, NM_001368066.1, NM_001080114.2 and 2 more transcripts); short protein forms E205D.
Identifiers: ClinVar variation 4808434 (VCV004808434.1).
Genomic context (GRCh38, chr10:86,681,729, plus strand): 5'-CCTGCCGGGCTCGAGCCAGCCGAGGCAATATAACAACCCCATTGGCCTGTACTCGGCAGA[G>C]ACCCTGAGGGAGATGGCTCAGATGTACCAGATGAGCCTCCGAGGGAAGGCCTCGGGTGTC-3'
Protein context (NP_009009.1, residues 195-215): YNNPIGLYSA[Glu205Asp]TLREMAQMYQ